The following is an entry in ClinVar:

NM_001002295.2(GATA3):c.-351C>T

Gene: GATA3 (GATA binding protein 3; plus strand). Cytogenetic location: 10p14.
Variant type: single nucleotide variant.
Coding change: c.-351C>T on transcript NM_001002295.2 (MANE Select); 351 bases upstream of the start codon, C replaced by T.
Molecular consequence: 5 prime UTR variant.
Genome position (GRCh38, 1-based): chr10:8,055,305, C>T. VCF-style: chr10-8055305-C-T. GRCh37 (hg19) VCF-style: chr10-8097268-C-T.
Other names: c.-351C>T (NM_002051.3).
Identifiers: ClinVar variation 301106 (VCV000301106.5), dbSNP rs34628951, ClinGen allele CA10632544.

ClinVar aggregate classification (germline): Benign (1 of 4 stars; one submission).

Conditions:
Hypoparathyroidism, deafness, renal disease syndrome (HDRS). Also called: HYPOPARATHYROIDISM, SENSORINEURAL DEAFNESS, AND RENAL DYSPLASIA SYNDROME. Identifiers: Orphanet 2237, MedGen C1840333, MONDO:0007797, OMIM 146255.

Allele frequency attached by ClinVar (database versions not stated): gnomAD 0.00117 and 0.00168; TOPMed 0.00195; gnomAD exomes 0.00399; 1000 Genomes Project 30x 0.00718; 1000 Genomes Project 0.00839.
gnomAD v4.1: 1,355 of 436,158 alleles (0.31%); highest among the groups gnomAD compares: East Asian, 5.5%; 40 homozygotes.

Submission:

Illumina Laboratory Services, Illumina
Classification: Benign for Hypoparathyroidism, deafness, renal disease syndrome. Last evaluated: 2018-01-13. Review status: criteria provided, single submitter. Criteria: ICSL Variant Classification Criteria 13 December 2019. Collection method: clinical testing. Allele origin: germline.
Comment: This variant was observed in the ICSL laboratory as part of a predisposition screen in an ostensibly healthy population. It had not been previously curated by ICSL or reported in the Human Gene Mutation Database (HGMD: prior to June 1st, 2018), and was therefore a candidate for classification through an automated scoring system. Utilizing variant allele frequency, disease prevalence and penetrance estimates, and inheritance mode, an automated score was calculated to assess if this variant is too frequent to cause the disease. Based on the score and internal cut-off values, a variant classified as benign is not then subjected to further curation. The score for this variant resulted in a classification of benign for this disease.